The following is an entry in ClinVar:

ClinVar aggregate classification (germline): Pathogenic (1 of 4 stars; one submission).

Conditions:
Telangiectasia, hereditary hemorrhagic, type 1 (HHT1). Also called: Osler Weber Rendu syndrome type 1; ENG-Related Hereditary Hemorrhagic Telangiectasia. Identifiers: Orphanet 774, MedGen C4551861, MONDO:0008535, OMIM 187300. Disease mechanism: loss of function.

Submission:

ARUP Laboratories, Molecular Genetics and Genomics, ARUP Laboratories
Classification: Pathogenic for Telangiectasia, hereditary hemorrhagic, type 1. Last evaluated: 2024-07-29. Review status: criteria provided, single submitter. Criteria: ARUP Molecular Germline Variant Investigation Process 2024. Collection method: clinical testing. Allele origin: germline.
Comment: The ENG c.1686+2T>A variant (rs112553668), to our knowledge, is not reported in the medical literature or gene specific databases. This variant is also absent from the Genome Aggregation Database (v2.1.1), indicating it is not a common polymorphism. This variant disrupts the canonical splice donor site of intron 12, which is likely to negatively impact gene function. Additionally, other variants impacting this splice donor site (c.1686+1G>A, c.1686+2T>C; c.1686+5G>C) have been reported in individuals with hereditary hemorrhagic telangiectasia and are considered pathogenic (Fontalba 2008, Heimdal 2016, Lenato 2006). Based on available information, the c.1686+2T>A variant is considered to be pathogenic. References: Fontalba A et al. Mutation study of Spanish patients with hereditary hemorrhagic telangiectasia. BMC Med Genet. 2008 Aug 1;9:75. PMID: 18673552. Heimdal K et al. Mutation analysis in Norwegian families with hereditary hemorrhagic telangiectasia: founder mutations in ACVRL1. Clin Genet. 2016 Feb;89(2):182-6. PMID: 25970827. Lenato GM et al. DHPLC-based mutation analysis of ENG and ALK-1 genes in HHT Italian population. Hum Mutat. 2006 Feb;27(2):213-4. PMID: 16429404.

NM_001114753.3(ENG):c.1686+2T>A

Genes: ENG (endoglin; minus strand), LOC102723566 (uncharacterized LOC102723566; plus strand). Cytogenetic location: 9q34.11.
Variant type: single nucleotide variant.
Coding change: c.1686+2T>A on transcript NM_001114753.3 (MANE Select); the canonical splice donor site of the intron after coding-DNA position 1686, T replaced by A.
Molecular consequence: splice donor variant.
Genome position (GRCh38, 1-based): chr9:127,818,118, A>T on the plus strand (T>A on the coding strand, the complement: ENG is on the minus strand). VCF-style: chr9-127818118-A-T. GRCh37 (hg19) VCF-style: chr9-130580397-A-T.
Other names: c.1686+2T>A (NM_000118.4); c.1140+2T>A (NM_001278138.2).
Identifiers: ClinVar variation 3766749 (VCV003766749.1).